The following is an entry in ClinVar:

ClinVar aggregate classification (germline): Uncertain significance. Review status: criteria provided, multiple submitters, no conflicts (2 of 4 stars). 3 submissions from 3 submitters: Uncertain significance (3). Last evaluated 2025-02-07.

Conditions:
Hereditary cancer-predisposing syndrome. Also called: Neoplastic Syndromes, Hereditary; Hereditary Cancer Syndrome; Tumor predisposition; Hereditary neoplastic syndrome. Identifiers: Orphanet 140162, MedGen C0027672, MeSH D009386, MONDO:0015356.
Tuberous sclerosis 2 (TSC2). Identifiers: Orphanet 805, MedGen C1860707, MONDO:0013199, OMIM 613254.

Submissions (3):

GeneDx
Classification: Uncertain significance. Last evaluated: 2025-02-07. Review status: criteria provided, single submitter. Criteria: GeneDx Variant Classification Process June 2021. Collection method: clinical testing. Allele origin: germline. Affected: yes.
Comment: Not observed at significant frequency in large population cohorts (gnomAD); In silico analysis supports that this missense variant has a deleterious effect on protein structure/function; Has not been previously published as pathogenic or benign to our knowledge

Labcorp Genetics (formerly Invitae), Labcorp
Classification: Uncertain significance for Tuberous sclerosis 2. Last evaluated: 2024-05-06. Review status: criteria provided, single submitter. Criteria: Invitae Variant Classification Sherloc (09022015). Collection method: clinical testing. Allele origin: germline.
Comment: This sequence change replaces tyrosine, which is neutral and polar, with cysteine, which is neutral and slightly polar, at codon 779 of the TSC2 protein (p.Tyr779Cys). This variant is not present in population databases (gnomAD no frequency). This variant has not been reported in the literature in individuals affected with TSC2-related conditions. ClinVar contains an entry for this variant (Variation ID: 1510913). Advanced modeling of protein sequence and biophysical properties (such as structural, functional, and spatial information, amino acid conservation, physicochemical variation, residue mobility, and thermodynamic stability) performed at Invitae indicates that this missense variant is not expected to disrupt TSC2 protein function with a negative predictive value of 95%. In summary, the available evidence is currently insufficient to determine the role of this variant in disease. Therefore, it has been classified as a Variant of Uncertain Significance.

Ambry Genetics
Classification: Uncertain significance for Hereditary cancer-predisposing syndrome. Last evaluated: 2024-04-30. Review status: criteria provided, single submitter. Criteria: Ambry Variant Classification Scheme 2023. Collection method: clinical testing. Allele origin: germline.
Comment: The p.Y779C variant (also known as c.2336A>G), located in coding exon 20 of the TSC2 gene, results from an A to G substitution at nucleotide position 2336. The tyrosine at codon 779 is replaced by cysteine, an amino acid with highly dissimilar properties. This amino acid position is conserved. In addition, this alteration is predicted to be deleterious by in silico analysis. Based on the available evidence, the clinical significance of this variant remains unclear.

NM_000548.5(TSC2):c.2336A>G (p.Tyr779Cys)

Gene: TSC2 (TSC complex subunit 2; plus strand). Cytogenetic location: 16p13.3.
Variant type: single nucleotide variant.
Coding change: c.2336A>G on transcript NM_000548.5 (MANE Select); coding-DNA position 2336, A replaced by G.
Protein change: p.Tyr779Cys; replaces tyrosine 779 with cysteine.
Molecular consequence: missense variant.
Genome position (GRCh38, 1-based): chr16:2,072,964, A>G. VCF-style: chr16-2072964-A-G. GRCh37 (hg19) VCF-style: chr16-2122965-A-G.
Other names: c.2336A>G (NM_000548.3); c.2336A>G, p.Tyr779Cys (NM_001077183.3, NM_001114382.3, NM_001363528.2 and 3 more transcripts); c.2225A>G, p.Tyr742Cys (NM_001318827.2); c.2189A>G, p.Tyr730Cys (NM_001318829.2); c.1736A>G, p.Tyr579Cys (NM_001318831.2); c.2369A>G, p.Tyr790Cys (NM_001318832.2); short protein forms Y579C, Y779C, Y730C, Y742C, Y790C.
Identifiers: ClinVar variation 1510913 (VCV001510913.9), dbSNP rs752656474, ClinGen allele CA394276676.